The following is an entry in ClinVar:

ClinVar aggregate classification (germline): Uncertain significance (1 of 4 stars; one submission).

Submission:

CeGaT Center for Human Genetics Tuebingen
Classification: Uncertain significance. Last evaluated: 2024-09-01. Review status: criteria provided, single submitter. Criteria: CeGaT Center For Human Genetics Tuebingen Variant Classification Criteria Version 2. Collection method: clinical testing. Allele origin: germline. Affected: yes. Observed: 1 variant allele.
Comment: GRN: PM2

NM_002087.4(GRN):c.884C>A (p.Thr295Asn)

Gene: GRN (granulin precursor; plus strand). Cytogenetic location: 17q21.31.
Variant type: single nucleotide variant.
Coding change: c.884C>A on transcript NM_002087.4 (MANE Select); coding-DNA position 884, C replaced by A.
Protein change: p.Thr295Asn; replaces threonine 295 with asparagine.
Molecular consequence: missense variant.
Genome position (GRCh38, 1-based): chr17:44,351,411, C>A. VCF-style: chr17-44351411-C-A. GRCh37 (hg19) VCF-style: chr17-42428779-C-A.
Other names: short protein forms T295N.
Identifiers: ClinVar variation 3389591 (VCV003389591.14).